The following is an entry in ClinVar:

NM_177972.3(TUB):c.1237C>T (p.Arg413Cys)

Genes: RIC3 (RIC3 acetylcholine receptor chaperone; minus strand), TUB (TUB bipartite transcription factor; plus strand). Cytogenetic location: 11p15.4.
Variant type: single nucleotide variant.
Coding change: c.1237C>T on transcript NM_177972.3 (MANE Select); coding-DNA position 1237, C replaced by T.
Protein change: p.Arg413Cys; replaces arginine 413 with cysteine.
Molecular consequence: missense variant.
Genome position (GRCh38, 1-based): chr11:8,100,847, C>T. VCF-style: chr11-8100847-C-T. GRCh37 (hg19) VCF-style: chr11-8122394-C-T.
Other names: c.1402C>T, p.Arg468Cys (NM_003320.5); short protein forms R413C, R468C.
Identifiers: ClinVar variation 943287 (VCV000943287.9), dbSNP rs146835743, ClinGen allele CA5871449.
Genomic context (GRCh38, chr11:8,100,847, plus strand): 5'-AAAGGCCTGGGCCTGGCTCAGGTGAGGCTGCCCTCCCAGGAGCATGAGACACTGCTAGCA[C>T]GCTGGCAGAATAAGAACACGGAGAGTATCATCGAGCTGCAAAACAAGACACCTGTCTGGA-3'
Protein context (NP_813977.1, residues 403-423): PRNEHETLLA[Arg413Cys]WQNKNTESII

ClinVar aggregate classification (germline): Uncertain significance. Review status: criteria provided, multiple submitters, no conflicts (2 of 4 stars). 3 submissions from 3 submitters: Uncertain significance (2). 1 of the submissions does not count toward it. Last evaluated 2022-09-27.

Conditions:
TUB-related disorder. Also called: TUB-related condition.

Allele frequency attached by ClinVar (database versions not stated): TOPMed 0.00004; ExAC 0.00005; ESP Exome Variant Server 0.00008.
gnomAD v4.1: 167 of 1,613,992 alleles (0.01%); highest among the groups gnomAD compares: Middle Eastern, 0.016%; no homozygotes.

Submissions (3):

Labcorp Genetics (formerly Invitae), Labcorp
Classification: Uncertain significance. Last evaluated: 2022-09-27. Review status: criteria provided, single submitter. Criteria: Invitae Variant Classification Sherloc (09022015). Collection method: clinical testing. Allele origin: germline.
Comment: This sequence change replaces arginine, which is basic and polar, with cysteine, which is neutral and slightly polar, at codon 468 of the TUB protein (p.Arg468Cys). This variant is present in population databases (rs146835743, gnomAD 0.008%). This variant has not been reported in the literature in individuals affected with TUB-related conditions. ClinVar contains an entry for this variant (Variation ID: 943287). Algorithms developed to predict the effect of missense changes on protein structure and function (SIFT, PolyPhen-2, Align-GVGD) all suggest that this variant is likely to be disruptive. In summary, the available evidence is currently insufficient to determine the role of this variant in disease. Therefore, it has been classified as a Variant of Uncertain Significance.

Blueprint Genetics
Classification: Uncertain significance. Last evaluated: 2022-05-09. Review status: criteria provided, single submitter. Criteria: ACMG Guidelines, 2015. Collection method: clinical testing. Allele origin: germline.

PreventionGenetics, part of Exact Sciences
Classification: Uncertain significance for TUB-related condition. Last evaluated: 2023-11-21. Review status: no assertion criteria provided. Collection method: clinical testing. Allele origin: germline. Not counted in ClinVar's aggregate classification.
Comment: The TUB c.1402C>T variant is predicted to result in the amino acid substitution p.Arg468Cys. To our knowledge, this variant has not been reported in the literature. This variant is reported in 0.0077% of alleles in individuals of European (Non-Finnish) descent in gnomAD. At this time, the clinical significance of this variant is uncertain due to the absence of conclusive functional and genetic evidence.